The following is an entry in ClinVar:

ClinVar aggregate classification (germline): Uncertain significance (1 of 4 stars; one submission).

Submission:

Dasa
Classification: Uncertain significance. Last evaluated: 2025-03-25. Review status: criteria provided, single submitter. Criteria: DASA Assertion Criteria. Collection method: clinical testing. Allele origin: germline.
Comment: NM_007192.4(SUPT16H):c.98C>G (p.Ala33Gly) is a missense variant that results in the substitution of alanine with glycine. This variant is absent from population databases. Computational prediction algorithms are consistent with a benign effect. The currently available literature and clinical evidence are not sufficient to establish a definitive association between this variant and the reported condition. Therefore, this variant is classified as a variant of uncertain significance.

NM_007192.4(SUPT16H):c.98C>G (p.Ala33Gly)

Gene: SUPT16H (SPT16 homolog, facilitates chromatin remodeling subunit; minus strand). Cytogenetic location: 14q11.2.
Variant type: single nucleotide variant.
Coding change: c.98C>G on transcript NM_007192.4 (MANE Select); coding-DNA position 98, C replaced by G.
Protein change: p.Ala33Gly; replaces alanine 33 with glycine.
Molecular consequence: missense variant.
Genome position (GRCh38, 1-based): chr14:21,373,399, G>C on the plus strand (C>G on the coding strand, the complement: SUPT16H is on the minus strand). VCF-style: chr14-21373399-G-C. GRCh37 (hg19) VCF-style: chr14-21841558-G-C.
Other names: short protein forms A33G.
Identifiers: ClinVar variation 4883015 (VCV004883015.2).
Genomic context (GRCh38, chr14:21,373,399, plus strand): 5'-TGTAAGGCAGTTGATTTGGCATAAACAATTTCTTCATCAACACCCACTGATACAACAATG[G>C]CATCAACGTTGGCATACTCATCTTCTCCTTTCTGAAAAGAGTGGGTAATCATCACTTAAT-3'
Protein context (NP_009123.1, residues 23-43): KGEDEYANVD[Ala33Gly]IVVSVGVDEE